The following is an entry in ClinVar:

ClinVar aggregate classification (germline): Uncertain significance (1 of 4 stars; one submission).

Conditions:
Inborn genetic diseases. Identifiers: MedGen C0950123, MeSH D030342.

Allele frequency attached by ClinVar (database versions not stated): TOPMed 0.00001; gnomAD 0.00002; gnomAD exomes 0.00003.
gnomAD v4.1: 31 of 1,181,892 alleles (0.0026%); highest among the groups gnomAD compares: Non-Finnish European, 0.0035%; no homozygotes.

Submission:

Ambry Genetics
Classification: Uncertain significance for Inborn genetic diseases. Last evaluated: 2018-02-07. Review status: criteria provided, single submitter. Criteria: Ambry Variant Classification Scheme 2023. Collection method: clinical testing. Allele origin: germline.
Comment: The p.P1550L variant (also known as c.4649C>T), located in coding exon 26 of the KDM5C gene, results from a C to T substitution at nucleotide position 4649. The proline at codon 1550 is replaced by leucine, an amino acid with similar properties. This amino acid position is not well conserved in available vertebrate species. In addition, this alteration is predicted to be tolerated by in silico analysis. Since supporting evidence is limited at this time, the clinical significance of this alteration remains unclear.

NM_004187.5(KDM5C):c.4649C>T (p.Pro1550Leu)

Gene: KDM5C (lysine demethylase 5C; minus strand). Cytogenetic location: Xp11.22.
Variant type: single nucleotide variant.
Coding change: c.4649C>T on transcript NM_004187.5 (MANE Select); coding-DNA position 4649, C replaced by T.
Protein change: p.Pro1550Leu; replaces proline 1550 with leucine.
Molecular consequence: missense variant. On other transcripts: intron variant (5).
Genome position (GRCh38, 1-based): chrX:53,193,001, G>A on the plus strand (C>T on the coding strand, the complement: KDM5C is on the minus strand). VCF-style: chrX-53193001-G-A. GRCh37 (hg19) VCF-style: chrX-53222183-G-A.
Other names: c.4646C>T, p.Pro1549Leu (NM_001282622.3); c.4640C>T, p.Pro1547Leu (NM_001353978.3); c.4305+436C>T (NM_001353982.2); c.4314+436C>T (NM_001353979.2); c.4308+436C>T (NM_001353981.2, NM_001353984.2); c.4047-164C>T (NM_001146702.2); short protein forms P1550L, P1547L, P1549L.
Identifiers: ClinVar variation 1742163 (VCV001742163.2), dbSNP rs965433703, ClinGen allele CA329165722.